The following is an entry in ClinVar:

ClinVar aggregate classification (germline): Pathogenic. Review status: criteria provided, single submitter (1 of 4 stars). 2 submissions from 2 submitters: Pathogenic (1). 1 of the submissions does not count toward it. Last evaluated 2019-11-11.

Conditions:
Junctional epidermolysis bullosa gravis of Herlitz. Also called: EPIDERMOLYSIS BULLOSA, JUNCTIONAL 1B, SEVERE; EPIDERMOLYSIS BULLOSA JUNCTIONALIS, HERLITZ TYPE; EPIDERMOLYSIS BULLOSA, JUNCTIONAL, HERLITZ-PEARSON TYPE; JEB-HERLITZ TYPE; Epidermolysis Bullosa Letalis; Herlitz-type junctional epidermolysis bullosa. Identifiers: Orphanet 79404, MedGen C0079683, MONDO:0009182, OMIM 226700.
Epidermolysis bullosa, junctional 3B, severe. Also called: EPIDERMOLYSIS BULLOSA, JUNCTIONAL 3B, GENERALIZED SEVERE; EPIDERMOLYSIS BULLOSA, JUNCTIONAL 3B, HERLITZ TYPE. Identifiers: MedGen C5676939, MONDO:0030749, OMIM 619786.

Allele frequency attached by ClinVar (database versions not stated): gnomAD exomes below 0.00001; gnomAD 0.00001.
gnomAD v4.1: 2 of 1,613,590 alleles (0.00012%); highest among the groups gnomAD compares: Non-Finnish European, 0.00017%; no homozygotes.

Submissions (2):

Women's Health and Genetics/Laboratory Corporation of America, LabCorp
Classification: Pathogenic for Junctional epidermolysis bullosa gravis of Herlitz. Last evaluated: 2019-11-11. Review status: criteria provided, single submitter. Criteria: LabCorp Variant Classification Summary - May 2015. Collection method: clinical testing. Allele origin: germline.
Comment: Variant summary: LAMC2 c.1067-1G>A (also known as 1184-1G>A) is located in a canonical splice-site and is predicted to affect mRNA splicing resulting in a significantly altered protein due to either exon skipping, shortening, or inclusion of intronic material. Several computational tools predict a significant impact on normal splicing: five predict the variant abolishes a 3' acceptor site. A functional study performed on patient derived fibroblasts found that the variant results in an in-frame skipping of exon 9 (Pulkkinen_1994). The variant was absent in 251466 control chromosomes (gnomAD). c.1067-1G>A has been reported in the literature in a homozygous individual affected with Junctional Epidermolysis Bullosa (Pulkkinen_1994). These data indicate that the variant may be associated with disease. No clinical diagnostic laboratories have submitted clinical-significance assessments for this variant to ClinVar after 2014. Based on the evidence outlined above, the variant was classified as pathogenic.

OMIM
Classification: Pathogenic for EPIDERMOLYSIS BULLOSA, JUNCTIONAL 3B, SEVERE. Last evaluated: 1994-03-01. Review status: no assertion criteria provided. Collection method: literature only. Allele origin: germline. Not counted in ClinVar's aggregate classification.

Literature cited by the submitters: PubMed 8824879 (cited by Women's Health and Genetics/Laboratory Corporation of America, LabCorp); PubMed 8012393 (cited by Women's Health and Genetics/Laboratory Corporation of America, LabCorp and OMIM).

NM_005562.3(LAMC2):c.1067-1G>A

Gene: LAMC2 (laminin subunit gamma 2; plus strand). Cytogenetic location: 1q25.3.
Variant type: single nucleotide variant.
Coding change: c.1067-1G>A on transcript NM_005562.3 (MANE Select); the canonical splice acceptor site of the intron before coding-DNA position 1067, G replaced by A.
Molecular consequence: splice acceptor variant.
Genome position (GRCh38, 1-based): chr1:183,226,697, G>A. VCF-style: chr1-183226697-G-A. GRCh37 (hg19) VCF-style: chr1-183195832-G-A.
Other names: IVS8AS, G-A, -1; c.1067-1G>A (NM_018891.3).
Identifiers: ClinVar variation 14554 (VCV000014554.3), dbSNP rs1558092501, ClinGen allele CA343685805.
Genomic context (GRCh38, chr1:183,226,697, plus strand): 5'-TCTGACTTGAGATCTTTAGACTGTACCACTTGCAACTTCTAACCTGTTCTCTCGATTGCA[G>A]GTACTGGGTACATTGACAATGTGACCCTGATTTCAGCCCGCCCTGTCTCTGGAGCCCCAG-3'